The following is an entry in ClinVar:

NM_004990.4(MARS1):c.2150A>G (p.Gln717Arg)

Gene: MARS1 (methionyl-tRNA synthetase 1; plus strand). Cytogenetic location: 12q13.3.
Variant type: single nucleotide variant.
Coding change: c.2150A>G on transcript NM_004990.4 (MANE Select); coding-DNA position 2150, A replaced by G.
Protein change: p.Gln717Arg; replaces glutamine 717 with arginine.
Molecular consequence: missense variant.
Genome position (GRCh38, 1-based): chr12:57,515,004, A>G. VCF-style: chr12-57515004-A-G. GRCh37 (hg19) VCF-style: chr12-57908787-A-G.
Other names: short protein forms Q717R.
Identifiers: ClinVar variation 2937434 (VCV002937434.3), dbSNP rs2540318948, ClinGen allele CA385465392.

ClinVar aggregate classification (germline): Uncertain significance (1 of 4 stars; one submission).

Conditions:
Severe early-onset pulmonary alveolar proteinosis due to MARS deficiency. Also called: PULMONARY ALVEOLAR PROTEINOSIS, REUNION ISLAND; Interstitial lung and liver disease. Identifiers: Orphanet 440427, MedGen C4225400, MONDO:0014206, OMIM 615486.
Charcot-Marie-Tooth disease axonal type 2U. Also called: CHARCOT-MARIE-TOOTH NEUROPATHY, TYPE 2U; CHARCOT-MARIE-TOOTH DISEASE, AXONAL, AUTOSOMAL DOMINANT, TYPE 2U. Identifiers: Orphanet 397735, MedGen C4084821, MONDO:0014566, OMIM 616280.

Submission:

Labcorp Genetics (formerly Invitae), Labcorp
Classification: Uncertain significance for Charcot-Marie-Tooth disease axonal type 2U; Severe early-onset pulmonary alveolar proteinosis due to MARS deficiency. Last evaluated: 2024-06-11. Review status: criteria provided, single submitter. Criteria: Invitae Variant Classification Sherloc (09022015). Collection method: clinical testing. Allele origin: germline.
Comment: This sequence change replaces glutamine, which is neutral and polar, with arginine, which is basic and polar, at codon 717 of the MARS protein (p.Gln717Arg). This variant is not present in population databases (gnomAD no frequency). This variant has not been reported in the literature in individuals affected with MARS-related conditions. An algorithm developed to predict the effect of missense changes on protein structure and function (PolyPhen-2) suggests that this variant is likely to be tolerated. In summary, the available evidence is currently insufficient to determine the role of this variant in disease. Therefore, it has been classified as a Variant of Uncertain Significance.